The following is an entry in ClinVar:

NM_000350.3(ABCA4):c.4720G>T (p.Glu1574Ter)

Genes: ABCA4 (ATP binding cassette subfamily A member 4; minus strand), LOC126805793 (CDK7 strongly-dependent group 2 enhancer GRCh37_chr1:94486302-94487501; plus strand). Cytogenetic location: 1p22.1.
Variant type: single nucleotide variant.
Coding change: c.4720G>T on transcript NM_000350.3 (MANE Select); coding-DNA position 4720, G replaced by T.
Protein change: p.Glu1574Ter; replaces glutamic acid 1574 with a stop codon.
Molecular consequence: nonsense.
Genome position (GRCh38, 1-based): chr1:94,021,899, C>A on the plus strand (G>T on the coding strand, the complement: ABCA4 is on the minus strand). VCF-style: chr1-94021899-C-A. GRCh37 (hg19) VCF-style: chr1-94487455-C-A.
Other names: NP_000341.2:p.(Glu1574Ter); NM_000350.3(ABCA4):c.4720G>T; p.Glu1574Ter; c.4498G>T, p.Glu1500Ter (NM_001425324.1); short protein forms E1574*, E1500*.
Identifiers: ClinVar variation 1460063 (VCV001460063.9), dbSNP rs1282472315, ClinGen allele CA341283936.

ClinVar aggregate classification (germline): Pathogenic. Review status: reviewed by expert panel (3 of 4 stars). 5 submissions from 4 submitters: Pathogenic (1). 4 of the submissions do not count toward it. Last evaluated 2025-12-05.

Conditions:
ABCA4-related disorder. Also called: ABCA4-related disorders; ABCA4-related condition. Identifiers: MedGen CN239167.
Stargardt disease (FFM). Also called: Fundus flavimaculatus; Stargardt's disease. Identifiers: Orphanet 827, MedGen C0271093, MONDO:0019353.
ABCA4-related retinopathy. Also called: ABCA4-related retinoapthy; ABCA4 retinoapthy. Identifiers: MedGen CN322612, MONDO:0800406.
Cone-rod dystrophy. Also called: Cone/cone-rod dystrophy; Cone-rod degeneration. Identifiers: Orphanet 1872, MedGen C4085590, MONDO:0015993, HP:0000548.

Allele frequency attached by ClinVar (database versions not stated): gnomAD exomes below 0.00001 and 0.00001.
gnomAD v4.1: 5 of 1,614,202 alleles (0.00031%); no homozygotes.

Submissions (5):

ClinGen ABCA4 Variant Curation Expert Panel, Clingen
Classification: Pathogenic for ABCA4-related retinopathy. Last evaluated: 2025-12-05. Review status: reviewed by expert panel. Criteria: ClinGen ABCA4 ACMG Specifications V1.0.0. Collection method: curation. Allele origin: germline. Inheritance: Autosomal recessive inheritance.
Comment: The NM_000350.3:c.4720G>T (p.Glu1574Ter) variant in ABCA4 is a nonsense variant predicted to cause a premature stop codon in biologically relevant exon 33 out of 50 leading to nonsense mediated decay in a gene in which loss-of-function is an established disease mechanism (PVS1). The total minor allele frequency in gnomAD v4.1.0 is 0.000003420 (5/1461888 alleles), which is lower than the ClinGen ABCA4 VCEP’s threshold for PM2_Supporting (<0.0001). The prevalence of the variant in affected individuals is significantly increased compared with the prevalence in controls. The OR is infinity and the CI is (10.92-infinity), which is above the ABCA4 VCEP threshold of >5, where the CI does not contain 1 (PS4; PMID: 35120629). At least two probands met phenotypic criteria for ABCA4-related retinopathy (PP4, PMIDs: 32619608, 31674661). In summary, this variant meets the criteria to be classified as pathogenic for ABCA4-related retinopathy based on the ACMG/AMP criteria applied, as specified by the ClinGen ABCA4 VCEP: PVS1, PS4, PP4, PM2_Supporting.

Labcorp Genetics (formerly Invitae), Labcorp
Classification: Pathogenic. Last evaluated: 2024-04-24. Review status: criteria provided, single submitter. Criteria: Invitae Variant Classification Sherloc (09022015). Collection method: clinical testing. Allele origin: germline. Not counted in ClinVar's aggregate classification.
Comment: This sequence change creates a premature translational stop signal (p.Glu1574*) in the ABCA4 gene. It is expected to result in an absent or disrupted protein product. Loss-of-function variants in ABCA4 are known to be pathogenic (PMID: 10958761, 24938718, 25312043, 26780318). This variant is present in population databases (no rsID available, gnomAD 0.004%). This premature translational stop signal has been observed in individual(s) with Stargardt disease (PMID: 19365591, 23940504, 29925512, 30093795). ClinVar contains an entry for this variant (Variation ID: 1460063). Algorithms developed to predict the effect of sequence changes on RNA splicing suggest that this variant may disrupt the consensus splice site. For these reasons, this variant has been classified as Pathogenic.

Ophthalmic Genetics Group, Institute of Molecular and Clinical Ophthalmology Basel
Classification: Pathogenic for Stargardt disease. Last evaluated: 2023-07-24. Review status: criteria provided, single submitter. Criteria: ACMG Guidelines, 2015. Collection method: research. Allele origin: germline. Affected: yes. Observed: 2 variant alleles. Not counted in ClinVar's aggregate classification.
Comment: Clinical significance based on ACMG v2.0

This variant was classified as Pathogenic based on ACMG criteria: PVS1, PM2, PP5.

Ophthalmic Genetics Group, Institute of Molecular and Clinical Ophthalmology Basel
Classification: Pathogenic for Cone-rod dystrophy. Last evaluated: 2023-07-24. Review status: criteria provided, single submitter. Criteria: ACMG Guidelines, 2015. Collection method: research. Allele origin: germline. Affected: yes. Observed: 1 variant allele. Not counted in ClinVar's aggregate classification.
Comment: the same text as in the submission from Ophthalmic Genetics Group, Institute of Molecular and Clinical Ophthalmology Basel above.

Blueprint Genetics
Classification: Pathogenic for ABCA4-related disorders. Last evaluated: 2023-06-02. Review status: criteria provided, single submitter. Criteria: ACMG Guidelines, 2015. Collection method: clinical testing. Allele origin: germline. Affected: yes. Observed: 3 variant alleles. Not counted in ClinVar's aggregate classification.

Literature cited by the submitters: PubMed 10958761 (cited by Labcorp Genetics (formerly Invitae), Labcorp); PubMed 24938718 (cited by Labcorp Genetics (formerly Invitae), Labcorp); PubMed 25312043 (cited by Labcorp Genetics (formerly Invitae), Labcorp); PubMed 26780318 (cited by Labcorp Genetics (formerly Invitae), Labcorp); PubMed 19365591 (cited by Labcorp Genetics (formerly Invitae), Labcorp); PubMed 23940504 (cited by Labcorp Genetics (formerly Invitae), Labcorp); PubMed 29925512 (cited by Labcorp Genetics (formerly Invitae), Labcorp); PubMed 30093795 (cited by Labcorp Genetics (formerly Invitae), Labcorp); PubMed 36909829 (cited by Ophthalmic Genetics Group, Institute of Molecular and Clinical Ophthalmology Basel).